The following is an entry in ClinVar:

NM_001113378.2(FANCI):c.1891-3C>T

Gene: FANCI (FA complementation group I; plus strand). Cytogenetic location: 15q26.1.
Variant type: single nucleotide variant.
Coding change: c.1891-3C>T on transcript NM_001113378.2 (MANE Select); 3 bases into the intron before coding-DNA position 1891, C replaced by T.
Molecular consequence: intron variant.
Genome position (GRCh38, 1-based): chr15:89,291,610, C>T. VCF-style: chr15-89291610-C-T. GRCh37 (hg19) VCF-style: chr15-89834841-C-T.
Other names: c.1891-3C>T (NM_018193.3, NM_001376911.1); c.1612-3C>T (NM_001376910.1).
Identifiers: ClinVar variation 664424 (VCV000664424.8), dbSNP rs371578898, ClinGen allele CA7723209.
Genomic context (GRCh38, chr15:89,291,610, plus strand): 5'-AGAAGTTAAAAAAGTAAAAAGCATTTATGAGCCAAGATGTCTTTTTTTTCTTACTATACA[C>T]AGTTAAAACAGTTCTATGAGCCAAAACCTGATCTGCTGCCTCCTCTGAAATTAGAAGCTT-3'

ClinVar aggregate classification (germline): Uncertain significance. Review status: criteria provided, single submitter (1 of 4 stars). 2 submissions from 2 submitters: Uncertain significance (1). 1 of the submissions does not count toward it. Last evaluated 2024-05-06.

Conditions:
Fanconi anemia (FA). Also called: Fanconi's anemia. Identifiers: Orphanet 84, MedGen C0015625, MeSH D005199, MONDO:0019391.
FANCI-related disorder. Also called: FANCI-related condition.

Allele frequency attached by ClinVar (database versions not stated): gnomAD exomes 0.00002 and 0.00005; TOPMed 0.00002; ExAC 0.00004; ESP Exome Variant Server 0.00008.
gnomAD v4.1: 42 of 1,611,510 alleles (0.0026%); highest among the groups gnomAD compares: African/African-American, 0.0013%; no homozygotes.

Submissions (2):

Labcorp Genetics (formerly Invitae), Labcorp
Classification: Uncertain significance for Fanconi anemia. Last evaluated: 2024-05-06. Review status: criteria provided, single submitter. Criteria: Invitae Variant Classification Sherloc (09022015). Collection method: clinical testing. Allele origin: germline.
Comment: This sequence change falls in intron 19 of the FANCI gene. It does not directly change the encoded amino acid sequence of the FANCI protein. It affects a nucleotide within the consensus splice site. This variant is present in population databases (rs371578898, gnomAD 0.1%). This variant has not been reported in the literature in individuals affected with FANCI-related conditions. ClinVar contains an entry for this variant (Variation ID: 664424). Variants that disrupt the consensus splice site are a relatively common cause of aberrant splicing (PMID: 17576681, 9536098). Algorithms developed to predict the effect of sequence changes on RNA splicing suggest that this variant is not likely to affect RNA splicing. In summary, the available evidence is currently insufficient to determine the role of this variant in disease. Therefore, it has been classified as a Variant of Uncertain Significance.

PreventionGenetics, part of Exact Sciences
Classification: Likely benign for FANCI-related condition. Last evaluated: 2022-05-11. Review status: no assertion criteria provided. Collection method: clinical testing. Allele origin: germline. Not counted in ClinVar's aggregate classification.
Comment: This variant is classified as likely benign based on ACMG/AMP sequence variant interpretation guidelines (Richards et al. 2015 PMID: 25741868, with internal and published modifications).

Literature cited by the submitters: PubMed 17576681 (cited by Labcorp Genetics (formerly Invitae), Labcorp); PubMed 9536098 (cited by Labcorp Genetics (formerly Invitae), Labcorp).